The following is an entry in ClinVar:

NM_020810.3(TRMT5):c.797G>A (p.Arg266Gln)

Gene: TRMT5 (tRNA methyltransferase 5; minus strand). Cytogenetic location: 14q23.1.
Variant type: single nucleotide variant.
Coding change: c.797G>A on transcript NM_020810.3 (MANE Select); coding-DNA position 797, G replaced by A.
Protein change: p.Arg266Gln; replaces arginine 266 with glutamine.
Molecular consequence: missense variant.
Genome position (GRCh38, 1-based): chr14:60,976,122, C>T on the plus strand (G>A on the coding strand, the complement: TRMT5 is on the minus strand). VCF-style: chr14-60976122-C-T. GRCh37 (hg19) VCF-style: chr14-61442840-C-T.
Other names: c.881G>A, p.Arg294Gln (NM_001350253.1); c.878G>A, p.Arg293Gln (NM_001350254.1); c.797G>A (NM_020810.2); short protein forms R266Q, R293Q, R294Q.
Identifiers: ClinVar variation 1923483 (VCV001923483.4), dbSNP rs575587861, ClinGen allele CA7213817.

ClinVar aggregate classification (germline): Uncertain significance. Review status: criteria provided, multiple submitters, no conflicts (2 of 4 stars). 2 submissions from 2 submitters: Uncertain significance (2). Last evaluated 2025-06-17.

Conditions:
Inborn genetic diseases. Identifiers: MedGen C0950123, MeSH D030342.

Allele frequency attached by ClinVar (database versions not stated): gnomAD exomes 0.00001; ExAC 0.00003; gnomAD 0.00004; TOPMed 0.00006; 1000 Genomes Project 30x 0.00016; 1000 Genomes Project 0.00020.
gnomAD v4.1: 24 of 1,596,722 alleles (0.0015%); highest among the groups gnomAD compares: African/African-American, 0.011%; no homozygotes.

Submissions (2):

Ambry Genetics
Classification: Uncertain significance for Inborn genetic diseases. Last evaluated: 2025-06-17. Review status: criteria provided, single submitter. Criteria: Ambry Variant Classification Scheme 2023. Collection method: clinical testing. Allele origin: germline.

Labcorp Genetics (formerly Invitae), Labcorp
Classification: Uncertain significance. Last evaluated: 2022-05-28. Review status: criteria provided, single submitter. Criteria: Invitae Variant Classification Sherloc (09022015). Collection method: clinical testing. Allele origin: germline.
Comment: In summary, the available evidence is currently insufficient to determine the role of this variant in disease. Therefore, it has been classified as a Variant of Uncertain Significance. Algorithms developed to predict the effect of missense changes on protein structure and function are either unavailable or do not agree on the potential impact of this missense change (SIFT: "Deleterious"; PolyPhen-2: "Possibly Damaging"; Align-GVGD: "Class C0"). This variant has not been reported in the literature in individuals affected with TRMT5-related conditions. This variant is present in population databases (rs575587861, gnomAD 0.02%). This sequence change replaces arginine, which is basic and polar, with glutamine, which is neutral and polar, at codon 266 of the TRMT5 protein (p.Arg266Gln).